The following is an entry in ClinVar:

NM_001042492.3(NF1):c.5088del (p.Leu1696_Leu1697insTer)

Gene: NF1 (neurofibromin 1; plus strand). Cytogenetic location: 17q11.2.
Variant type: Deletion.
Coding change: c.5088del on transcript NM_001042492.3 (MANE Select); coding-DNA position 5088, one base deleted (G; older notation c.5088delG).
Protein change: p.Leu1696_Leu1697insTer.
Molecular consequence: frameshift variant. On other transcripts: nonsense (1).
Genome position (GRCh38, 1-based): chr17:31,326,072, G deleted. VCF-style (leftmost placement, unchanged base first): chr17-31326071-TG-T. GRCh37 (hg19) VCF-style: chr17-29653089-TG-T.
Other names: c.5025delG, p.Leu1676Terfs (NM_000267.3); c.5025del, p.Leu1675_Leu1676insTer (NM_000267.4).
Identifiers: ClinVar variation 4884419 (VCV004884419.1).

ClinVar aggregate classification (germline): Likely pathogenic (1 of 4 stars; one submission).

Conditions:
Neurofibromatosis, type 1 (NF1). Also called: VON RECKLINGHAUSEN DISEASE; NEUROFIBROMATOSIS, TYPE I, SOMATIC; Peripheral type neurofibromatosis; Neurofibromatosis, type I. Identifiers: Orphanet 636, MedGen C0027831, MONDO:0018975, OMIM 162200. Disease mechanism: loss of function.

Submission:

Division of Genetic & Genomic Pathology, Hong Kong Children's Hospital
Classification: Likely pathogenic for Neurofibromatosis, type 1. Last evaluated: 2024-06-18. Review status: criteria provided, single submitter. Criteria: ACMG Guidelines, 2015. Collection method: clinical testing. Allele origin: germline. Affected: yes.
Comment: NF1 c.5025del is a 1-bp frameshift deletion located in exon 36 out of 57 exons of the NF1 gene. It creates a premature stop codon and is predicted to cause loss of normal protein function either by protein truncation or nonsense-mediated mRNA decay. Loss-of-function variants in the NF1 gene are known to be pathogenic (PMID: 10712197, 23913538). This variant is not present in population databases (gnomAD v2.1.1 and gnomAD v4.1.0), and is not reported in ClinVar database or HGMD (Professional 2024.1). For these reasons, this variant is classified as likely pathogenic.

Literature cited by the submitters: PubMed 10712197; PubMed 23913538.